The following is an entry in ClinVar:

ClinVar aggregate classification (germline): Benign/Likely benign. Review status: criteria provided, multiple submitters, no conflicts (2 of 4 stars). 5 submissions from 5 submitters: Benign (2); Likely benign (2). 1 of the submissions does not count toward it. Last evaluated 2026-05-01.

Conditions:
TRMT10A-related disorder. Also called: TRMT10A-related condition.

Allele frequency attached by ClinVar (database versions not stated): 1000 Genomes Project 30x 0.00125; 1000 Genomes Project 0.00140; TOPMed 0.00162; ESP Exome Variant Server 0.00192.
gnomAD v4.1: 3,924 of 1,596,038 alleles (0.25%); highest among the groups gnomAD compares: Non-Finnish European, 0.26%; 11 homozygotes.

Submissions (5):

CeGaT Center for Human Genetics Tuebingen
Classification: Likely benign. Last evaluated: 2026-05-01. Review status: criteria provided, single submitter. Criteria: CeGaT Center For Human Genetics Tuebingen Variant Classification Criteria Version 2. Collection method: clinical testing. Allele origin: germline. Affected: yes. Observed: 9 variant alleles.
Comment: TRMT10A: BS2

Labcorp Genetics (formerly Invitae), Labcorp
Classification: Benign. Last evaluated: 2026-01-20. Review status: criteria provided, single submitter. Criteria: Invitae Variant Classification Sherloc (09022015). Collection method: clinical testing. Allele origin: germline.

Blueprint Genetics
Classification: Likely benign. Last evaluated: 2024-11-26. Review status: criteria provided, single submitter. Criteria: ACMG Guidelines, 2015. Collection method: clinical testing. Allele origin: germline.

Genetic Services Laboratory, University of Chicago
Classification: Benign. Last evaluated: 2017-05-03. Review status: criteria provided, single submitter. Criteria: ACMG Guidelines, 2015. Collection method: clinical testing. Allele origin: germline. Affected: no.

PreventionGenetics, part of Exact Sciences
Classification: Benign for TRMT10A-related condition. Last evaluated: 2019-09-06. Review status: no assertion criteria provided. Collection method: clinical testing. Allele origin: germline. Not counted in ClinVar's aggregate classification.
Comment: This variant is classified as benign based on ACMG/AMP sequence variant interpretation guidelines (Richards et al. 2015 PMID: 25741868, with internal and published modifications).

NM_001134665.3(TRMT10A):c.206G>A (p.Arg69His)

Gene: TRMT10A (tRNA methyltransferase 10A; minus strand). Cytogenetic location: 4q23.
Variant type: single nucleotide variant.
Coding change: c.206G>A on transcript NM_001134665.3 (MANE Select); coding-DNA position 206, G replaced by A.
Protein change: p.Arg69His; replaces arginine 69 with histidine.
Molecular consequence: missense variant.
Genome position (GRCh38, 1-based): chr4:99,558,191, C>T on the plus strand (G>A on the coding strand, the complement: TRMT10A is on the minus strand). VCF-style: chr4-99558191-C-T. GRCh37 (hg19) VCF-style: chr4-100479348-C-T.
Other names: c.206G>A, p.Arg69His (NM_001134666.3, NM_152292.5); short protein forms R69H.
Identifiers: ClinVar variation 437058 (VCV000437058.41), dbSNP rs147815779, ClinGen allele CA3021603.